The following is an entry in ClinVar:

NM_000180.4(GUCY2D):c.65G>A (p.Trp22Ter)

Gene: GUCY2D (guanylate cyclase 2D, retinal; plus strand). Cytogenetic location: 17p13.1.
Variant type: single nucleotide variant.
Coding change: c.65G>A on transcript NM_000180.4 (MANE Select); coding-DNA position 65, G replaced by A.
Protein change: p.Trp22Ter; replaces tryptophan 22 with a stop codon.
Molecular consequence: nonsense.
Genome position (GRCh38, 1-based): chr17:8,003,112, G>A. VCF-style: chr17-8003112-G-A. GRCh37 (hg19) VCF-style: chr17-7906430-G-A.
Other names: short protein forms W22*.
Identifiers: ClinVar variation 961067 (VCV000961067.7), dbSNP rs1308509257, ClinGen allele CA397942558.

ClinVar aggregate classification (germline): Pathogenic (1 of 4 stars; one submission).

Conditions:
Cone-rod dystrophy 6 (CORD6). Also called: RETINAL CONE DYSTROPHY 2; Cone dystrophy progressive. Identifiers: Orphanet 1872, MedGen C1866293, MONDO:0011143, OMIM 601777.
Leber congenital amaurosis 1 (LCA1). Also called: AMAUROSIS CONGENITA OF LEBER I; RETINAL BLINDNESS, CONGENITAL; Congenital absence of the rods and cones; Leber's congenital tapetoretinal degeneration; Leber's congenital tapetoretinal dysplasia. Identifiers: Orphanet 65, MedGen C2931258, MONDO:0008764, OMIM 204000.

Allele frequency attached by ClinVar (database versions not stated): gnomAD exomes below 0.00001 and 0.00001.
gnomAD v4.1: 1 of 1,521,712 alleles (0.000066%); highest among the groups gnomAD compares: South Asian, 0.0012%; no homozygotes.

Submission:

Labcorp Genetics (formerly Invitae), Labcorp
Classification: Pathogenic for Leber congenital amaurosis 1; Cone-rod dystrophy 6. Last evaluated: 2019-11-13. Review status: criteria provided, single submitter. Criteria: Invitae Variant Classification Sherloc (09022015). Collection method: clinical testing. Allele origin: germline.
Comment: For these reasons, this variant has been classified as Pathogenic. Loss-of-function variants in GUCY2D are known to be pathogenic (PMID: 10951519, 11328726). Algorithms developed to predict the effect of sequence changes on RNA splicing suggest that this variant may create or strengthen a splice site, but this prediction has not been confirmed by published transcriptional studies. This variant has not been reported in the literature in individuals with GUCY2D-related conditions. The frequency data for this variant in the population databases is considered unreliable, as metrics indicate insufficient coverage at this position in the ExAC database. This sequence change creates a premature translational stop signal (p.Trp22*) in the GUCY2D gene. It is expected to result in an absent or disrupted protein product.

Literature cited by the submitters: PubMed 10951519; PubMed 11328726.